The following is an entry in ClinVar:

NM_153704.6(TMEM67):c.123C>G (p.Phe41Leu)

Gene: TMEM67 (transmembrane protein 67; plus strand). Cytogenetic location: 8q22.1.
Variant type: single nucleotide variant.
Coding change: c.123C>G on transcript NM_153704.6 (MANE Select); coding-DNA position 123, C replaced by G.
Protein change: p.Phe41Leu; replaces phenylalanine 41 with leucine.
Molecular consequence: missense variant. On other transcripts: 5 prime UTR variant (1), non-coding transcript variant (1).
Genome position (GRCh38, 1-based): chr8:93,755,037, C>G. VCF-style: chr8-93755037-C-G. GRCh37 (hg19) VCF-style: chr8-94767265-C-G.
Other names: c.123C>G (NM_153704.5); c.-162C>G (NM_001142301.1); short protein forms F41L.
Identifiers: ClinVar variation 1409306 (VCV001409306.6), dbSNP rs1812503608, ClinGen allele CA371685284.
Genomic context (GRCh38, chr8:93,755,037, plus strand): 5'-CGTGACCGCGTTCCTTCTGTTGTTCCTCCCTCGCTTCTTACAGGCCCAGACCTTCTCTTT[C>G]CCTTTCCAGCAGCCGGAGAAGTGCGACAACAACCAGTACTTTGATATCTCCGCCCTCTCG-3'
Protein context (NP_714915.3, residues 31-51): PRFLQAQTFS[Phe41Leu]PFQQPEKCDN

ClinVar aggregate classification (germline): Conflicting classifications of pathogenicity. Review status: criteria provided, conflicting classifications (1 of 4 stars). 2 submissions from 2 submitters: Uncertain significance (1); Likely benign (1). Last evaluated 2025-06-07.

Conditions:
Joubert syndrome. Also called: CEREBELLOPARENCHYMAL DISORDER IV; JOUBERT-BOLTSHAUSER SYNDROME; Familial aplasia of the vermis. Identifiers: Orphanet 475, MedGen C5979921, MONDO:0018772.
Meckel-Gruber syndrome. Also called: DYSENCEPHALIA SPLANCHNOCYSTICA; GRUBER SYNDROME; Dysencephalia splachnocystica. Identifiers: Orphanet 564, MedGen C0265215, MONDO:0018921.
Inborn genetic diseases. Identifiers: MedGen C0950123, MeSH D030342.

gnomAD v4.1: 4 of 1,614,222 alleles (0.00025%); highest among the groups gnomAD compares: Middle Eastern, 0.016%; no homozygotes.

Submissions (2):

Ambry Genetics
Classification: Likely benign for Inborn genetic diseases. Last evaluated: 2025-06-07. Review status: criteria provided, single submitter. Criteria: Ambry Variant Classification Scheme 2023. Collection method: clinical testing. Allele origin: germline.

Labcorp Genetics (formerly Invitae), Labcorp
Classification: Uncertain significance for Joubert syndrome; Meckel-Gruber syndrome. Last evaluated: 2022-07-12. Review status: criteria provided, single submitter. Criteria: Invitae Variant Classification Sherloc (09022015). Collection method: clinical testing. Allele origin: germline.
Comment: This sequence change replaces phenylalanine, which is neutral and non-polar, with leucine, which is neutral and non-polar, at codon 41 of the TMEM67 protein (p.Phe41Leu). This variant is not present in population databases (gnomAD no frequency). This variant has not been reported in the literature in individuals affected with TMEM67-related conditions. ClinVar contains an entry for this variant (Variation ID: 1409306). Advanced modeling of protein sequence and biophysical properties (such as structural, functional, and spatial information, amino acid conservation, physicochemical variation, residue mobility, and thermodynamic stability) performed at Invitae indicates that this missense variant is not expected to disrupt TMEM67 protein function. In summary, the available evidence is currently insufficient to determine the role of this variant in disease. Therefore, it has been classified as a Variant of Uncertain Significance.